The following is an entry in ClinVar:

ClinVar aggregate classification (germline): Uncertain significance (1 of 4 stars; one submission).

Conditions:
Familial Mediterranean fever (FMF). Also called: POLYSEROSITIS, FAMILIAL PAROXYSMAL; POLYSEROSITIS, RECURRENT; Periodic peritonitis; Benign paroxysmal peritonitis. Identifiers: Orphanet 342, MedGen C0031069, MONDO:0018088, OMIM 249100. Disease mechanism: gain of function.

Submission:

Labcorp Genetics (formerly Invitae), Labcorp
Classification: Uncertain significance for Familial Mediterranean fever. Last evaluated: 2021-07-26. Review status: criteria provided, single submitter. Criteria: Invitae Variant Classification Sherloc (09022015). Collection method: clinical testing. Allele origin: germline.
Comment: This sequence change creates a premature translational stop signal (p.Gln370Profs*7) in the MEFV gene. It is expected to result in an absent or disrupted protein product. However, the current clinical and genetic evidence is not sufficient to establish whether loss-of-function variants in MEFV cause disease. In summary, the available evidence is currently insufficient to determine the role of this variant in disease. Therefore, it has been classified as a Variant of Uncertain Significance. This variant has not been reported in the literature in individuals affected with MEFV-related conditions. This variant is not present in population databases (ExAC no frequency).

NM_000243.3(MEFV):c.1108dup (p.Gln370fs)

Gene: MEFV (MEFV innate immunity regulator, pyrin; minus strand). Cytogenetic location: 16p13.3.
Variant type: Duplication.
Coding change: c.1108dup on transcript NM_000243.3 (MANE Select); coding-DNA position 1108, one base duplicated (C; older notation c.1108dupC).
Protein change: p.Gln370fs; shifts the reading frame from glutamine 370.
Molecular consequence: frameshift variant.
Genome position (GRCh38, 1-based): chr16:3,249,583, G duplicated on the plus strand (C on the coding strand, the reverse complement: MEFV is on the minus strand); the first of 5 consecutive G bases (chr16:3,249,583-3,249,587); duplicating any one gives the same sequence. VCF-style (leftmost placement, unchanged base first): chr16-3249582-T-TG. GRCh37 (hg19) VCF-style: chr16-3299582-T-TG.
Other names: c.475dup, p.Gln159fs (NM_001198536.2); short protein forms Q159fs, Q370fs.
Identifiers: ClinVar variation 1501126 (VCV001501126.6), dbSNP rs1214124340, ClinGen allele CA620713309.